The following is an entry in ClinVar:

NM_000937.5(POLR2A):c.60A>C (p.Arg20Ser)

Gene: POLR2A (RNA polymerase II subunit A; plus strand). Cytogenetic location: 17p13.1.
Variant type: single nucleotide variant.
Coding change: c.60A>C on transcript NM_000937.5 (MANE Select); coding-DNA position 60, A replaced by C.
Protein change: p.Arg20Ser; replaces arginine 20 with serine.
Molecular consequence: missense variant.
Genome position (GRCh38, 1-based): chr17:7,484,824, A>C. VCF-style: chr17-7484824-A-C. GRCh37 (hg19) VCF-style: chr17-7388143-A-C.
Other names: short protein forms R20S.
Identifiers: ClinVar variation 2647338 (VCV002647338.24), dbSNP rs1468135846, ClinGen allele CA397849043.

ClinVar aggregate classification (germline): Uncertain significance (1 of 4 stars; one submission).

Allele frequency attached by ClinVar (database versions not stated): TOPMed 0.00001.

Submission:

CeGaT Center for Human Genetics Tuebingen
Classification: Uncertain significance. Last evaluated: 2022-10-01. Review status: criteria provided, single submitter. Criteria: CeGaT Center For Human Genetics Tuebingen Variant Classification Criteria Version 2. Collection method: clinical testing. Allele origin: germline. Affected: yes. Observed: 1 variant allele.
Comment: POLR2A: PM2, PP2